The following is an entry in ClinVar:

NM_005896.4(IDH1):c.982A>T (p.Asn328Tyr)

Gene: IDH1 (isocitrate dehydrogenase (NADP(+)) 1; minus strand). Cytogenetic location: 2q34.
Variant type: single nucleotide variant.
Coding change: c.982A>T on transcript NM_005896.4 (MANE Select); coding-DNA position 982, A replaced by T.
Protein change: p.Asn328Tyr; replaces asparagine 328 with tyrosine.
Molecular consequence: missense variant.
Genome position (GRCh38, 1-based): chr2:208,239,872, T>A on the plus strand (A>T on the coding strand, the complement: IDH1 is on the minus strand). VCF-style: chr2-208239872-T-A. GRCh37 (hg19) VCF-style: chr2-209104596-T-A.
Other names: c.982A>T, p.Asn328Tyr (NM_001282386.1, NM_001282387.1); short protein forms N328Y.
Identifiers: ClinVar variation 2453235 (VCV002453235.2), dbSNP rs2469016028, ClinGen allele CA350095010.

ClinVar aggregate classification (germline): Uncertain significance (1 of 4 stars; one submission).

Submission:

Ambry Genetics
Classification: Uncertain significance. Last evaluated: 2023-02-27. Review status: criteria provided, single submitter. Criteria: Ambry Variant Classification Scheme 2023. Collection method: clinical testing. Allele origin: germline.
Comment: The p.N328Y variant (also known as c.982A>T), located in coding exon 6 of the IDH1 gene, results from an A to T substitution at nucleotide position 982. The asparagine at codon 328 is replaced by tyrosine, an amino acid with dissimilar properties. This amino acid position is conserved. In addition, this alteration is predicted to be deleterious by in silico analysis. Since supporting evidence is limited at this time, the clinical significance of this alteration remains unclear.